The following is an entry in ClinVar:

NM_004304.5(ALK):c.4483T>C (p.Ser1495Pro)

Gene: ALK (ALK receptor tyrosine kinase; minus strand). Cytogenetic location: 2p23.2.
Variant type: single nucleotide variant.
Coding change: c.4483T>C on transcript NM_004304.5 (MANE Select); coding-DNA position 4483, T replaced by C.
Protein change: p.Ser1495Pro; replaces serine 1495 with proline.
Molecular consequence: missense variant.
Genome position (GRCh38, 1-based): chr2:29,193,604, A>G on the plus strand (T>C on the coding strand, the complement: ALK is on the minus strand). VCF-style: chr2-29193604-A-G. GRCh37 (hg19) VCF-style: chr2-29416470-A-G.
Other names: c.1279T>C, p.Ser427Pro (NM_001353765.2); short protein forms S1495P, S427P.
Identifiers: ClinVar variation 1927731 (VCV001927731.5), dbSNP rs1441987948, ClinGen allele CA346461935.
Genomic context (GRCh38, chr2:29,193,604, plus strand): 5'-GTTTCTCTGTAAACCAGGAGCCGTACGTTGGGTTCCACAAGCTGGTGGGCTTGTTTCTGG[A>G]TCCGTGGACCTTGTGCAACTCCGAAGGAGGGTTGGACTGAGAGAATGCCATATTCACGTG-3'
Protein context (NP_004295.2, residues 1485-1505): PPSELHKVHG[Ser1495Pro]RNKPTSLWNP

ClinVar aggregate classification (germline): Uncertain significance (1 of 4 stars; one submission).

Conditions:
Neuroblastoma, susceptibility to, 3. Also called: ALK-Related Neuroblastic Tumor Susceptibility. Identifiers: Orphanet 635, MedGen C2751681, MONDO:0013083, OMIM 613014.

Submission:

Labcorp Genetics (formerly Invitae), Labcorp
Classification: Uncertain significance for Neuroblastoma, susceptibility to, 3. Last evaluated: 2022-04-12. Review status: criteria provided, single submitter. Criteria: Invitae Variant Classification Sherloc (09022015). Collection method: clinical testing. Allele origin: germline.
Comment: In summary, the available evidence is currently insufficient to determine the role of this variant in disease. Therefore, it has been classified as a Variant of Uncertain Significance. Algorithms developed to predict the effect of missense changes on protein structure and function are either unavailable or do not agree on the potential impact of this missense change (SIFT: "Deleterious"; PolyPhen-2: "Probably Damaging"; Align-GVGD: "Class C0"). This variant has not been reported in the literature in individuals affected with ALK-related conditions. This variant is not present in population databases (gnomAD no frequency). This sequence change replaces serine, which is neutral and polar, with proline, which is neutral and non-polar, at codon 1495 of the ALK protein (p.Ser1495Pro).